The following is an entry in ClinVar:

ClinVar aggregate classification (germline): Uncertain significance (0 of 4 stars; one submission).

Conditions:
NR1H4-related disorder. Also called: NR1H4-related condition.

Submission:

PreventionGenetics, part of Exact Sciences
Classification: Uncertain significance for NR1H4-related condition. Last evaluated: 2024-05-10. Review status: no assertion criteria provided. Collection method: clinical testing. Allele origin: germline.
Comment: The NR1H4 c.341T>C variant is predicted to result in the amino acid substitution p.Met114Thr. To our knowledge, this variant has not been reported in the literature. This variant is reported in 0.012% of alleles in individuals of African descent in gnomAD. At this time, the clinical significance of this variant is uncertain due to the absence of conclusive functional and genetic evidence.

NM_001206979.2(NR1H4):c.341T>C (p.Met114Thr)

Gene: NR1H4 (nuclear receptor subfamily 1 group H member 4; plus strand). Cytogenetic location: 12q23.1.
Variant type: single nucleotide variant.
Coding change: c.341T>C on transcript NM_001206979.2 (MANE Select); coding-DNA position 341, T replaced by C.
Protein change: p.Met114Thr; replaces methionine 114 with threonine.
Molecular consequence: missense variant. On other transcripts: non-coding transcript variant (1).
Genome position (GRCh38, 1-based): chr12:100,511,039, T>C. VCF-style: chr12-100511039-T-C. GRCh37 (hg19) VCF-style: chr12-100904817-T-C.
Other names: c.341T>C, p.Met114Thr (NM_001206977.2, NM_001206978.2, NM_005123.4); c.371T>C, p.Met124Thr (NM_001206992.2, NM_001206993.2); short protein forms M114T, M124T.
Identifiers: ClinVar variation 3356748 (VCV003356748.1).